The following is an entry in ClinVar:

NM_000397.4(CYBB):c.1A>G (p.Met1Val)

Gene: CYBB (cytochrome b-245 beta chain; plus strand). Cytogenetic location: Xp21.1.
Variant type: single nucleotide variant.
Coding change: c.1A>G on transcript NM_000397.4 (MANE Select); coding-DNA position 1, A replaced by G.
Protein change: p.Met1Val; changes the start codon (methionine 1).
Molecular consequence: missense variant, initiator codon variant.
Genome position (GRCh38, 1-based): chrX:37,780,078, A>G. VCF-style: chrX-37780078-A-G. GRCh37 (hg19) VCF-style: chrX-37639331-A-G.
Other names: short protein forms M1V.
Identifiers: ClinVar variation 1196543 (VCV001196543.5), dbSNP rs2146801935, ClinGen allele CA412971887.

ClinVar aggregate classification (germline): Pathogenic. Review status: criteria provided, multiple submitters, no conflicts (2 of 4 stars). 3 submissions from 3 submitters: Pathogenic (3). Last evaluated 2026-02-12.

Conditions:
CYBB-related disorder. Also called: CYBB-related condition.
Granulomatous disease, chronic, X-linked. Also called: CYTOCHROME b-NEGATIVE GRANULOMATOUS DISEASE, CHRONIC, X-LINKED; GRANULOMATOUS DISEASE, CHRONIC, X-LINKED, SOMATIC MOSAIC. Identifiers: Orphanet 379, MedGen C1844376, MONDO:0010600, OMIM 306400.

Submissions (3):

PreventionGenetics, part of Exact Sciences
Classification: Pathogenic for CYBB-related condition. Last evaluated: 2026-02-12. Review status: criteria provided, single submitter. Criteria: ACMG Guidelines, 2015. Collection method: clinical testing. Allele origin: germline.
Comment: The CYBB c.1A>G variant is predicted to disrupt the translation initiation site (Start Loss). This variant has been reported in multiple individuals with chronic granulomatous disease (reported as 13 A -> G, Heyworth et al. 2001. PubMed ID: 11162142; reported as g.1015A>G, Pérez de Diego et al. 2012. PubMed ID: 22929960; Zhou et al. 2018. PubMed ID: 29560547). This variant has not been reported in a large population database (gnomAD), indicating it is rare. This variant is interpreted as pathogenic.

Department of Human Genetics, Hannover Medical School
Classification: Pathogenic for Granulomatous disease, chronic, X-linked. Last evaluated: 2024-07-19. Review status: criteria provided, single submitter. Criteria: ACMG Guidelines, 2015. Collection method: clinical testing. Allele origin: germline. Inheritance: X-linked recessive inheritance. Affected: yes.

GeneDx
Classification: Pathogenic. Last evaluated: 2021-04-16. Review status: criteria provided, single submitter. Criteria: GeneDx Variant Classification Process June 2021. Collection method: clinical testing. Allele origin: germline. Affected: yes.
Comment: Not observed in large population cohorts (Lek et al., 2016); Initiation codon variant in a gene for which loss-of-function is a known mechanism of disease; This variant is associated with the following publications: (PMID: 29560547, 11162142, 30894704, 19410294, 22929960)